The following is an entry in ClinVar:

NM_000090.4(COL3A1):c.1663G>A (p.Gly555Arg)

Gene: COL3A1 (collagen type III alpha 1 chain; plus strand). Cytogenetic location: 2q32.2.
Variant type: single nucleotide variant.
Coding change: c.1663G>A on transcript NM_000090.4 (MANE Select); coding-DNA position 1663, G replaced by A.
Protein change: p.Gly555Arg; replaces glycine 555 with arginine.
Molecular consequence: missense variant.
Genome position (GRCh38, 1-based): chr2:188,996,398, G>A. VCF-style: chr2-188996398-G-A. GRCh37 (hg19) VCF-style: chr2-189861124-G-A.
Other names: short protein forms G555R.
Identifiers: ClinVar variation 2812440 (VCV002812440.3), dbSNP rs2469135270, ClinGen allele CA349852537.

ClinVar aggregate classification (germline): Likely pathogenic (1 of 4 stars; one submission).

Conditions:
Ehlers-Danlos syndrome, type 4 (EDSVASC). Also called: Ehlers-Danlos Syndrome Type IV; Ehlers-Danlos syndrome vascular type; Ehlers Danlos syndrome, ecchymotic type; Ehlers Danlos syndrome, arterial type; Ehlers Danlos syndrome, Sack-Barabas type. Identifiers: Orphanet 286, MedGen C0268338, MONDO:0017314, OMIM 130050.

Submission:

Labcorp Genetics (formerly Invitae), Labcorp
Classification: Likely pathogenic for Ehlers-Danlos syndrome, type 4. Last evaluated: 2022-12-02. Review status: criteria provided, single submitter. Criteria: Invitae Variant Classification Sherloc (09022015). Collection method: clinical testing. Allele origin: germline.
Comment: In summary, the currently available evidence indicates that the variant is pathogenic, but additional data are needed to prove that conclusively. Therefore, this variant has been classified as Likely Pathogenic. This variant disrupts the triple helix domain of COL3A1. Glycine residues within the Gly-Xaa-Yaa repeats of the triple helix domain are required for the structure and stability of fibrillar collagens (PMID: 7695699, 8218237, 19344236). In COL3A1, variants that affect these glycine residues are significantly enriched in individuals with disease (PMID: 24922459, 25758994) compared to the general population (ExAC). Algorithms developed to predict the effect of sequence changes on RNA splicing suggest that this variant may create or strengthen a splice site. Algorithms developed to predict the effect of missense changes on protein structure and function are either unavailable or do not agree on the potential impact of this missense change (SIFT: "Deleterious"; PolyPhen-2: "Not Available"; Align-GVGD: "Class C15"). This variant has not been reported in the literature in individuals affected with COL3A1-related conditions. This variant is not present in population databases (gnomAD no frequency). This sequence change replaces glycine, which is neutral and non-polar, with arginine, which is basic and polar, at codon 555 of the COL3A1 protein (p.Gly555Arg).

Literature cited by the submitters: PubMed 7695699; PubMed 8218237; PubMed 19344236; PubMed 24922459; PubMed 25758994.